The following is an entry in ClinVar:

NM_001845.6(COL4A1):c.173G>A (p.Gly58Asp)

Gene: COL4A1 (collagen type IV alpha 1 chain; minus strand). Cytogenetic location: 13q34.
Variant type: single nucleotide variant.
Coding change: c.173G>A on transcript NM_001845.6 (MANE Select); coding-DNA position 173, G replaced by A.
Protein change: p.Gly58Asp; replaces glycine 58 with aspartic acid.
Molecular consequence: missense variant.
Genome position (GRCh38, 1-based): chr13:110,213,987, C>T on the plus strand (G>A on the coding strand, the complement: COL4A1 is on the minus strand). VCF-style: chr13-110213987-C-T. GRCh37 (hg19) VCF-style: chr13-110866334-C-T.
Other names: c.173G>A, p.Gly58Asp (NM_001303110.2); short protein forms G58D.
Identifiers: ClinVar variation 2682213 (VCV002682213.4), dbSNP rs2501607993, ClinGen allele CA388727142.
Genomic context (GRCh38, chr13:110,213,987, plus strand): 5'-TTTTGTCCTGGTGGTCCCTGTGGCCCCTCAGGTCCTTGCATTCCAGGAAACCCAATGACA[C>T]CTTGTAACCCCGGGAGGCCTCTTTCACCCTACAGAAGAGGAACATCAGTCAGGCAAAAGG-3'
Protein context (NP_001836.3, residues 48-68): KGERGLPGLQ[Gly58Asp]VIGFPGMQGP

ClinVar aggregate classification (germline): Conflicting classifications of pathogenicity. Review status: criteria provided, conflicting classifications (1 of 4 stars). 3 submissions from 3 submitters: Likely pathogenic (2); Uncertain significance (1). Last evaluated 2024-07-01.

Conditions:
Brain small vessel disease 1 with or without ocular anomalies (BSVD1). Also called: Brain small vessel disease with or without ocular anomalies; GOULD SYNDROME 1; BRAIN SMALL VESSEL DISEASE WITH HEMORRHAGE; PORENCEPHALY, TYPE 1, AUTOSOMAL DOMINANT. Identifiers: Orphanet 2940, Orphanet 36383, Orphanet 99810, MedGen C4755307, MONDO:0008289, OMIM 175780.

Submissions (3):

Labcorp Genetics (formerly Invitae), Labcorp
Classification: Likely pathogenic. Last evaluated: 2024-07-01. Review status: criteria provided, single submitter. Criteria: Invitae Variant Classification Sherloc (09022015). Collection method: clinical testing. Allele origin: germline.
Comment: This sequence change replaces glycine, which is neutral and non-polar, with aspartic acid, which is acidic and polar, at codon 58 of the COL4A1 protein (p.Gly58Asp). This variant is not present in population databases (gnomAD no frequency). This variant has not been reported in the literature in individuals affected with COL4A1-related conditions. Advanced modeling of protein sequence and biophysical properties (such as structural, functional, and spatial information, amino acid conservation, physicochemical variation, residue mobility, and thermodynamic stability) performed at Invitae indicates that this missense variant is expected to disrupt COL4A1 protein function with a positive predictive value of 95%. This variant disrupts the triple helix domain of COL4A1. Glycine residues within the Gly-Xaa-Yaa repeats of the triple helix domain are required for the structure and stability of fibrillar collagens (PMID: 7695699, 8218237, 19344236). In COL4A1 variants affecting these glycine residues are significantly enriched in individuals with disease (PMID: 9016532, 17078022) compared to the general population (ExAC). In summary, the currently available evidence indicates that the variant is pathogenic, but additional data are needed to prove that conclusively. Therefore, this variant has been classified as Likely Pathogenic.

Women's Health and Genetics/Laboratory Corporation of America, LabCorp
Classification: Likely pathogenic for Brain small vessel disease 1 with or without ocular anomalies. Last evaluated: 2023-11-21. Review status: criteria provided, single submitter. Criteria: LabCorp Variant Classification Summary - May 2015. Collection method: clinical testing. Allele origin: germline.
Comment: Variant summary: COL4A1 c.173G>A (p.Gly58Asp) results in a non-conservative amino acid change located in the collagen triple-helix repeat region of the encoded protein sequence. Alterations of glycine residues within the collagen triple-helix are common mechanisms of disease. Five of five in-silico tools predict a damaging effect of the variant on protein function. The variant was absent in 251484 control chromosomes (gnomAD). To our knowledge, no occurrence of c.173G>A in individuals affected with Porencephaly/COL4A1-spectrum of phenotypes and no experimental evidence demonstrating its impact on protein function have been reported. No submitters have cited clinical-significance assessments for this variant to ClinVar after 2014. Based on the evidence outlined above, the variant was classified as likely pathogenic.

Blueprint Genetics
Classification: Uncertain significance. Last evaluated: 2023-09-15. Review status: criteria provided, single submitter. Criteria: ACMG Guidelines, 2015. Collection method: clinical testing. Allele origin: germline.

Literature cited by the submitters: PubMed 7695699 (cited by Labcorp Genetics (formerly Invitae), Labcorp); PubMed 8218237 (cited by Labcorp Genetics (formerly Invitae), Labcorp); PubMed 19344236 (cited by Labcorp Genetics (formerly Invitae), Labcorp); PubMed 9016532 (cited by Labcorp Genetics (formerly Invitae), Labcorp); PubMed 17078022 (cited by Labcorp Genetics (formerly Invitae), Labcorp).